The following is an entry in ClinVar:

ClinVar aggregate classification (germline): Benign. Review status: criteria provided, single submitter (1 of 4 stars). 2 submissions from 2 submitters: Benign (1). 1 of the submissions does not count toward it. Last evaluated 2019-12-31.

Conditions:
EPHB2-related disorder. Also called: EPHB2-related condition.

Allele frequency attached by ClinVar (database versions not stated): gnomAD exomes 0.00021 and 0.00061; ExAC 0.00073; gnomAD 0.00212 and 0.00220; ESP Exome Variant Server 0.00231; TOPMed 0.00241; 1000 Genomes Project 0.00319; 1000 Genomes Project 30x 0.00375.
gnomAD v4.1: 641 of 1,614,006 alleles (0.04%); highest among the groups gnomAD compares: African/African-American, 0.76%; 3 homozygotes.

Submissions (2):

Labcorp Genetics (formerly Invitae), Labcorp
Classification: Benign. Last evaluated: 2019-12-31. Review status: criteria provided, single submitter. Criteria: Invitae Variant Classification Sherloc (09022015). Collection method: clinical testing. Allele origin: germline.

PreventionGenetics, part of Exact Sciences
Classification: Benign for EPHB2-related condition. Last evaluated: 2024-07-12. Review status: no assertion criteria provided. Collection method: clinical testing. Allele origin: germline. Not counted in ClinVar's aggregate classification.
Comment: This variant is classified as benign based on ACMG/AMP sequence variant interpretation guidelines (Richards et al. 2015 PMID: 25741868, with internal and published modifications).

NM_017449.5(EPHB2):c.657G>A (p.Leu219=)

Gene: EPHB2 (EPH receptor B2; plus strand). Cytogenetic location: 1p36.12.
Variant type: single nucleotide variant.
Coding change: c.657G>A on transcript NM_017449.5 (MANE Select); coding-DNA position 657, G replaced by A.
Protein change: p.Leu219=; no amino-acid change (leucine 219 retained).
Molecular consequence: synonymous variant.
Genome position (GRCh38, 1-based): chr1:22,784,922, G>A. VCF-style: chr1-22784922-G-A. GRCh37 (hg19) VCF-style: chr1-23111415-G-A.
Other names: c.657G>A, p.Leu219= (NM_001309192.2, NM_001309193.2, NM_004442.7).
Identifiers: ClinVar variation 732340 (VCV000732340.5), dbSNP rs1371869, ClinGen allele CA678411.